The following is an entry in ClinVar:

ClinVar aggregate classification (germline): Uncertain significance (1 of 4 stars; one submission).

Conditions:
Mowat-Wilson syndrome (MOWS). Also called: Classic Mowat-Wilson Syndrome. Identifiers: Orphanet 2152, MedGen C1856113, MONDO:0009341, OMIM 235730.

Submission:

Labcorp Genetics (formerly Invitae), Labcorp
Classification: Uncertain significance for Mowat-Wilson syndrome. Last evaluated: 2021-09-18. Review status: criteria provided, single submitter. Criteria: Invitae Variant Classification Sherloc (09022015). Collection method: clinical testing. Allele origin: germline.
Comment: In summary, the available evidence is currently insufficient to determine the role of this variant in disease. Therefore, it has been classified as a Variant of Uncertain Significance. This sequence change replaces leucine with isoleucine at codon 976 of the ZEB2 protein (p.Leu976Ile). The leucine residue is highly conserved and there is a small physicochemical difference between leucine and isoleucine. This variant is not present in population databases (ExAC no frequency). This variant has not been reported in the literature in individuals affected with ZEB2-related conditions. Algorithms developed to predict the effect of missense changes on protein structure and function are either unavailable or do not agree on the potential impact of this missense change (SIFT: "Deleterious"; PolyPhen-2: "Possibly Damaging"; Align-GVGD: "Class C0").

NM_014795.4(ZEB2):c.2926C>A (p.Leu976Ile)

Gene: ZEB2 (zinc finger E-box binding homeobox 2; minus strand). Cytogenetic location: 2q22.3.
Variant type: single nucleotide variant.
Coding change: c.2926C>A on transcript NM_014795.4 (MANE Select); coding-DNA position 2926, C replaced by A.
Protein change: p.Leu976Ile; replaces leucine 976 with isoleucine.
Molecular consequence: missense variant.
Genome position (GRCh38, 1-based): chr2:144,396,553, G>T on the plus strand (C>A on the coding strand, the complement: ZEB2 is on the minus strand). VCF-style: chr2-144396553-G-T. GRCh37 (hg19) VCF-style: chr2-145154120-G-T.
Other names: c.2854C>A, p.Leu952Ile (NM_001171653.2); short protein forms L952I, L976I.
Identifiers: ClinVar variation 1382127 (VCV001382127.6), dbSNP rs546416431, ClinGen allele CA348704672.